The following is an entry in ClinVar:

ClinVar aggregate classification (germline): Uncertain significance (1 of 4 stars; one submission).

Conditions:
Inborn genetic diseases. Identifiers: MedGen C0950123, MeSH D030342.

gnomAD v4.1: 1 of 1,607,964 alleles (0.000062%); highest among the groups gnomAD compares: Middle Eastern, 0.017%; no homozygotes.

Submission:

Ambry Genetics
Classification: Uncertain significance for Inborn genetic diseases. Last evaluated: 2025-04-10. Review status: criteria provided, single submitter. Criteria: Ambry Variant Classification Scheme 2023. Collection method: clinical testing. Allele origin: germline.
Comment: The p.I434V variant (also known as c.1300A>G), located in coding exon 7 of the FANCM gene, results from an A to G substitution at nucleotide position 1300. The isoleucine at codon 434 is replaced by valine, an amino acid with highly similar properties. This amino acid position is conserved. In addition, this alteration is predicted to be tolerated by in silico analysis. Based on the available evidence, the clinical significance of this variant remains unclear.

NM_020937.4(FANCM):c.1300A>G (p.Ile434Val)

Gene: FANCM (FA complementation group M; plus strand). Cytogenetic location: 14q21.2.
Variant type: single nucleotide variant.
Coding change: c.1300A>G on transcript NM_020937.4 (MANE Select); coding-DNA position 1300, A replaced by G.
Protein change: p.Ile434Val; replaces isoleucine 434 with valine.
Molecular consequence: missense variant.
Genome position (GRCh38, 1-based): chr14:45,154,813, A>G. VCF-style: chr14-45154813-A-G. GRCh37 (hg19) VCF-style: chr14-45624016-A-G.
Other names: c.1222A>G, p.Ile408Val (NM_001308133.2); c.1300A>G, p.Ile434Val (NM_001308134.2); short protein forms I434V, I408V.
Identifiers: ClinVar variation 4022672 (VCV004022672.1).